The following is an entry in ClinVar:

ClinVar aggregate classification (germline): Uncertain significance. Review status: criteria provided, multiple submitters, no conflicts (2 of 4 stars). 3 submissions from 3 submitters: Uncertain significance (2). 1 of the submissions does not count toward it. Last evaluated 2024-04-28.

Conditions:
Cardiovascular phenotype. Identifiers: MedGen CN230736.
Noonan syndrome (NS). Also called: Noonan's syndrome. Identifiers: Orphanet 648, MedGen C0028326, MeSH D009634, MONDO:0018997. Disease mechanism: gain of function.

Allele frequency attached by ClinVar (database versions not stated): gnomAD exomes below 0.00001; TOPMed below 0.00001; ExAC 0.00001; gnomAD 0.00001.
gnomAD v4.1: 8 of 1,613,868 alleles (0.0005%); highest among the groups gnomAD compares: Non-Finnish European, 0.00068%; no homozygotes.

Submissions (3):

Ambry Genetics
Classification: Uncertain significance for Cardiovascular phenotype. Last evaluated: 2024-04-28. Review status: criteria provided, single submitter. Criteria: Ambry Variant Classification Scheme 2023. Collection method: clinical testing. Allele origin: germline.
Comment: The p.S1097T variant (also known as c.3290G>C), located in coding exon 20 of the SOS1 gene, results from a G to C substitution at nucleotide position 3290. The serine at codon 1097 is replaced by threonine, an amino acid with similar properties. This amino acid position is conserved. In addition, this alteration is predicted to be tolerated by in silico analysis. Based on the available evidence, the clinical significance of this variant remains unclear.

GeneDx
Classification: Uncertain significance. Last evaluated: 2023-06-12. Review status: criteria provided, single submitter. Criteria: GeneDx Variant Classification Process June 2021. Collection method: clinical testing. Allele origin: germline. Affected: yes.
Comment: Missense variants in this gene are often considered pathogenic (HGMD); In silico analysis supports that this missense variant does not alter protein structure/function; Has not been previously published as pathogenic or benign to our knowledge

ARUP Laboratories, Molecular Genetics and Genomics, ARUP Laboratories
Classification: Uncertain significance for Noonan syndrome. Last evaluated: 2012-06-15. Review status: no assertion criteria provided. Collection method: clinical testing. Allele origin: unknown. Affected: yes. Observed: 1 variant allele. Not counted in ClinVar's aggregate classification.

NM_005633.4(SOS1):c.3290G>C (p.Ser1097Thr)

Gene: SOS1 (SOS Ras/Rac guanine nucleotide exchange factor 1; minus strand). Cytogenetic location: 2p22.1.
Variant type: single nucleotide variant.
Coding change: c.3290G>C on transcript NM_005633.4 (MANE Select); coding-DNA position 3290, G replaced by C.
Protein change: p.Ser1097Thr; replaces serine 1097 with threonine.
Molecular consequence: missense variant.
Genome position (GRCh38, 1-based): chr2:38,995,179, C>G on the plus strand (G>C on the coding strand, the complement: SOS1 is on the minus strand). VCF-style: chr2-38995179-C-G. GRCh37 (hg19) VCF-style: chr2-39222320-C-G.
Other names: p.S1097T:AGT>ACT; c.3269G>C, p.Ser1090Thr (NM_001382394.1); c.3290G>C, p.Ser1097Thr (NM_001382395.1); short protein forms S1097T, S1090T.
Identifiers: ClinVar variation 40723 (VCV000040723.12), dbSNP rs727505379, ClinGen allele CA273690.